The following is an entry in ClinVar:

ClinVar aggregate classification (germline): Conflicting classifications of pathogenicity. Review status: criteria provided, conflicting classifications (1 of 4 stars). 3 submissions from 3 submitters: Uncertain significance (2); Likely benign (1). Last evaluated 2025-04-04.

Conditions:
Inborn genetic diseases. Identifiers: MedGen C0950123, MeSH D030342.

Allele frequency attached by ClinVar (database versions not stated): gnomAD exomes 0.00001 and 0.00002; ExAC 0.00002; TOPMed 0.00007; gnomAD 0.00008 and 0.00009; ESP Exome Variant Server 0.00019.
gnomAD v4.1: 17 of 1,209,976 alleles (0.0014%); highest among the groups gnomAD compares: African/African-American, 0.03%; no homozygotes.

Submissions (3):

Labcorp Genetics (formerly Invitae), Labcorp
Classification: Uncertain significance. Last evaluated: 2025-04-04. Review status: criteria provided, single submitter. Criteria: Invitae Variant Classification Sherloc (09022015). Collection method: clinical testing. Allele origin: germline.
Comment: This sequence change replaces isoleucine, which is neutral and non-polar, with lysine, which is basic and polar, at codon 31 of the NDP protein (p.Ile31Lys). This variant is present in population databases (rs146445684, gnomAD 0.03%). This variant has not been reported in the literature in individuals affected with NDP-related conditions. ClinVar contains an entry for this variant (Variation ID: 1042193). Invitae Evidence Modeling of protein sequence and biophysical properties (such as structural, functional, and spatial information, amino acid conservation, physicochemical variation, residue mobility, and thermodynamic stability) has been performed for this missense variant. However, the output from this modeling did not meet the statistical confidence thresholds required to predict the impact of this variant on NDP protein function. In summary, the available evidence is currently insufficient to determine the role of this variant in disease. Therefore, it has been classified as a Variant of Uncertain Significance.

Ambry Genetics
Classification: Likely benign for Inborn genetic diseases. Last evaluated: 2023-04-05. Review status: criteria provided, single submitter. Criteria: Ambry Variant Classification Scheme 2023. Collection method: clinical testing. Allele origin: germline.

Blueprint Genetics
Classification: Uncertain significance. Last evaluated: 2018-09-24. Review status: criteria provided, single submitter. Criteria: ACMG Guidelines, 2015. Collection method: clinical testing. Allele origin: germline.

NM_000266.4(NDP):c.92T>A (p.Ile31Lys)

Genes: NDP (norrin cystine knot growth factor NDP; minus strand), NDP-AS1 (NDP antisense RNA 1; plus strand). Cytogenetic location: Xp11.3.
Variant type: single nucleotide variant.
Coding change: c.92T>A on transcript NM_000266.4 (MANE Select); coding-DNA position 92, T replaced by A.
Protein change: p.Ile31Lys; replaces isoleucine 31 with lysine.
Molecular consequence: missense variant.
Genome position (GRCh38, 1-based): chrX:43,958,554, A>T on the plus strand (T>A on the coding strand, the complement: NDP is on the minus strand). VCF-style: chrX-43958554-A-T. GRCh37 (hg19) VCF-style: chrX-43817800-A-T.
Other names: c.92T>A (NM_000266.3); short protein forms I31K.
Identifiers: ClinVar variation 1042193 (VCV001042193.9), dbSNP rs146445684, ClinGen allele CA10391446.